The following is an entry in ClinVar:

ClinVar aggregate classification (germline): Uncertain significance (1 of 4 stars; one submission).

Submission:

Labcorp Genetics (formerly Invitae), Labcorp
Classification: Uncertain significance. Last evaluated: 2026-01-18. Review status: criteria provided, single submitter. Criteria: Invitae Variant Classification Sherloc (09022015). Collection method: clinical testing. Allele origin: germline.
Comment: This sequence change replaces alanine, which is neutral and non-polar, with serine, which is neutral and polar, at codon 45 of the UNC119 protein (p.Ala45Ser). The frequency data for this variant in the population databases is considered unreliable, as metrics indicate poor data quality at this position in the gnomAD database. This variant has not been reported in the literature in individuals affected with UNC119-related conditions. An algorithm developed to predict the effect of missense changes on protein structure and function (PolyPhen-2) suggests that this variant is likely to be tolerated. In summary, the available evidence is currently insufficient to determine the role of this variant in disease. Therefore, it has been classified as a Variant of Uncertain Significance.

NM_005148.4(UNC119):c.133G>T (p.Ala45Ser)

Genes: UNC119 (unc-119 lipid binding chaperone; minus strand), LOC130060555 (ATAC-STARR-seq lymphoblastoid silent region 8343; plus strand). Cytogenetic location: 17q11.2.
Variant type: single nucleotide variant.
Coding change: c.133G>T on transcript NM_005148.4 (MANE Select); coding-DNA position 133, G replaced by T.
Protein change: p.Ala45Ser; replaces alanine 45 with serine.
Molecular consequence: missense variant. On other transcripts: 5 prime UTR variant (1).
Genome position (GRCh38, 1-based): chr17:28,552,425, C>A on the plus strand (G>T on the coding strand, the complement: UNC119 is on the minus strand). VCF-style: chr17-28552425-C-A. GRCh37 (hg19) VCF-style: chr17-26879443-C-A.
Other names: c.-181G>T (NM_001330166.2); c.133G>T, p.Ala45Ser (NM_054035.2); short protein forms A45S.
Identifiers: ClinVar variation 4781290 (VCV004781290.1).